The following is an entry in ClinVar:

ClinVar aggregate classification (germline): Uncertain significance (1 of 4 stars; one submission).

Submission:

Labcorp Genetics (formerly Invitae), Labcorp
Classification: Uncertain significance. Last evaluated: 2024-05-21. Review status: criteria provided, single submitter. Criteria: Invitae Variant Classification Sherloc (09022015). Collection method: clinical testing. Allele origin: germline.
Comment: This sequence change replaces lysine, which is basic and polar, with asparagine, which is neutral and polar, at codon 73 of the SUCLG2 protein (p.Lys73Asn). This variant is not present in population databases (gnomAD no frequency). This variant has not been reported in the literature in individuals affected with SUCLG2-related conditions. An algorithm developed to predict the effect of missense changes on protein structure and function (PolyPhen-2) suggests that this variant is likely to be tolerated. In summary, the available evidence is currently insufficient to determine the role of this variant in disease. Therefore, it has been classified as a Variant of Uncertain Significance.

NM_003848.4(SUCLG2):c.219G>C (p.Lys73Asn)

Gene: SUCLG2 (succinate-CoA ligase GDP-forming subunit beta; minus strand). Cytogenetic location: 3p14.1.
Variant type: single nucleotide variant.
Coding change: c.219G>C on transcript NM_003848.4 (MANE Select); coding-DNA position 219, G replaced by C.
Protein change: p.Lys73Asn; replaces lysine 73 with asparagine.
Molecular consequence: missense variant.
Genome position (GRCh38, 1-based): chr3:67,609,462, C>G on the plus strand (G>C on the coding strand, the complement: SUCLG2 is on the minus strand). VCF-style: chr3-67609462-C-G. GRCh37 (hg19) VCF-style: chr3-67659886-C-G.
Other names: c.219G>C, p.Lys73Asn (NM_001177599.2); short protein forms K73N.
Identifiers: ClinVar variation 3632993 (VCV003632993.2).